The following is an entry in ClinVar:

NM_005359.6(SMAD4):c.1091T>G (p.Leu364Trp)

Gene: SMAD4 (SMAD family member 4; plus strand). Cytogenetic location: 18q21.2.
Variant type: single nucleotide variant.
Coding change: c.1091T>G on transcript NM_005359.6 (MANE Select); coding-DNA position 1091, T replaced by G.
Protein change: p.Leu364Trp; replaces leucine 364 with tryptophan.
Molecular consequence: missense variant.
Genome position (GRCh38, 1-based): chr18:51,065,558, T>G. VCF-style: chr18-51065558-T-G. GRCh37 (hg19) VCF-style: chr18-48591928-T-G.
Other names: short protein forms L364W.
Identifiers: ClinVar variation 1495298 (VCV001495298.5), dbSNP rs377767350, ClinGen allele CA128100.

ClinVar aggregate classification (germline): Likely pathogenic (1 of 4 stars; one submission).

Conditions:
Juvenile polyposis syndrome (JPS). Identifiers: Orphanet 2929, MedGen C0345893, MONDO:0017380, OMIM 174900.

Submission:

Labcorp Genetics (formerly Invitae), Labcorp
Classification: Likely pathogenic for Juvenile polyposis syndrome. Last evaluated: 2021-04-05. Review status: criteria provided, single submitter. Criteria: Invitae Variant Classification Sherloc (09022015). Collection method: clinical testing. Allele origin: germline.
Comment: In summary, the currently available evidence indicates that the variant is pathogenic, but additional data are needed to prove that conclusively. Therefore, this variant has been classified as Likely Pathogenic. Advanced modeling of protein sequence and biophysical properties (such as structural, functional, and spatial information, amino acid conservation, physicochemical variation, residue mobility, and thermodynamic stability) performed at Invitae indicates that this missense variant is expected to disrupt SMAD4 protein function. This variant has been observed in individual(s) with juvenile polyposis syndrome (JPS) and hereditary hemorrhagic telangiectasia (HHT) (PMID: 16436638, 20101697). ClinVar contains an entry for this variant (Variation ID: 24836). This variant is not present in population databases (ExAC no frequency). This sequence change replaces leucine with tryptophan at codon 364 of the SMAD4 protein (p.Leu364Trp). The leucine residue is highly conserved and there is a small physicochemical difference between leucine and tryptophan.

Literature cited by the submitters: PubMed 16436638; PubMed 20101697.